The following is an entry in ClinVar:

ClinVar aggregate classification (germline): Likely benign (1 of 4 stars; one submission).

Allele frequency attached by ClinVar (database versions not stated): gnomAD 0.00001; TOPMed 0.00001.
gnomAD v4.1: 1 of 1,550,220 alleles (0.000065%); highest among the groups gnomAD compares: African/African-American, 0.0014%; no homozygotes.

Submission:

CeGaT Center for Human Genetics Tuebingen
Classification: Likely benign. Last evaluated: 2022-08-01. Review status: criteria provided, single submitter. Criteria: CeGaT Center For Human Genetics Tuebingen Variant Classification Criteria Version 2. Collection method: clinical testing. Allele origin: germline. Affected: yes. Observed: 1 variant allele.
Comment: WDR81: BP4, BP7

NM_001163809.2(WDR81):c.2989C>T (p.Leu997=)

Gene: WDR81 (WD repeat domain 81; plus strand). Cytogenetic location: 17p13.3.
Variant type: single nucleotide variant.
Coding change: c.2989C>T on transcript NM_001163809.2 (MANE Select); coding-DNA position 2989, C replaced by T.
Protein change: p.Leu997=; no amino-acid change (leucine 997 retained).
Molecular consequence: synonymous variant. On other transcripts: intron variant (3).
Genome position (GRCh38, 1-based): chr17:1,727,948, C>T. VCF-style: chr17-1727948-C-T. GRCh37 (hg19) VCF-style: chr17-1631242-C-T.
Other names: c.-123-42C>T (NM_152348.4); c.59-2432C>T (NM_001163673.2); c.-14-2432C>T (NM_001163811.2).
Identifiers: ClinVar variation 2647195 (VCV002647195.24), dbSNP rs112361536, ClinGen allele CA286873564.